The following is an entry in ClinVar:

NM_201525.4(ADGRG1):c.1460_1461inv (p.Met487Thr)

Gene: ADGRG1 (adhesion G protein-coupled receptor G1; plus strand). Cytogenetic location: 16q21.
Variant type: Inversion.
Coding change: c.1460_1461inv on transcript NM_201525.4 (MANE Select).
Protein change: p.Met487Thr; replaces methionine 487 with threonine.
Molecular consequence: missense variant.
Genome position: GRCh38 VCF-style: chr16-57659586-TG-CA. GRCh37 (hg19) VCF-style: chr16-57693498-TG-CA.
Other names: c.1460_1461inv, p.Met487Thr (NM_001145770.3, NM_001145772.3, NM_001145774.3 and 7 more transcripts); c.1478_1479inv, p.Met493Thr (NM_001145771.3, NM_001370428.1, NM_001370429.1 and 4 more transcripts); c.1475_1476inv, p.Met492Thr (NM_001145773.3, NM_001370433.1, NM_001370434.1); c.968_969inv, p.Met323Thr (NM_001290142.2); c.953_954inv, p.Met318Thr (NM_001290143.2); c.935_936inv, p.Met312Thr (NM_001290144.2, NM_001370451.1, NM_001370453.1 and 1 more transcripts); c.1457_1458inv, p.Met486Thr (NM_001370441.1); c.1304_1305inv, p.Met435Thr (NM_001370442.1); short protein forms M318T, M323T, M493T, M312T, M492T, M435T, M487T, M486T.
Identifiers: ClinVar variation 1503181 (VCV001503181.5), ClinGen allele CA2573152473.
Genomic context (GRCh38, chr16:57,659,586, plus strand): 5'-CTGGCTGCCGAGCCAGTGCCATCTTCCTGCACTTCTCCCTGCTCACCTGCCTTTCCTGGA[TG>CA]GGCCTCGAGGGGTACAACCTCTACCGACTCGTGGTGGAGGTCTTTGGCACCTATGTCCCT-3'
Protein context (NP_958933.1, residues 477-497): HFSLLTCLSW[Met487Thr]GLEGYNLYRL

ClinVar aggregate classification (germline): Uncertain significance (1 of 4 stars; one submission).

Submission:

Labcorp Genetics (formerly Invitae), Labcorp
Classification: Uncertain significance. Last evaluated: 2022-06-27. Review status: criteria provided, single submitter. Criteria: Invitae Variant Classification Sherloc (09022015). Collection method: clinical testing. Allele origin: germline.
Comment: This sequence change replaces methionine, which is neutral and non-polar, with threonine, which is neutral and polar, at codon 493 of the ADGRG1 protein (p.Met493Thr). This variant is present in population databases (no rsID available, gnomAD 0.4%). This variant has not been reported in the literature in individuals affected with ADGRG1-related conditions. Algorithms developed to predict the effect of missense changes on protein structure and function are either unavailable or do not agree on the potential impact of this missense change (SIFT: "Not Available"; PolyPhen-2: "Probably Damaging"; Align-GVGD: "Not Available"). Algorithms developed to predict the effect of sequence changes on RNA splicing suggest that this variant may create or strengthen a splice site. In summary, the available evidence is currently insufficient to determine the role of this variant in disease. Therefore, it has been classified as a Variant of Uncertain Significance.